The following is an entry in ClinVar:

NM_000059.4(BRCA2):c.5602G>A (p.Asp1868Asn)

Gene: BRCA2 (BRCA2 DNA repair associated; plus strand). Cytogenetic location: 13q13.1.
Variant type: single nucleotide variant.
Coding change: c.5602G>A on transcript NM_000059.4 (MANE Select); coding-DNA position 5602, G replaced by A.
Protein change: p.Asp1868Asn; replaces aspartic acid 1868 with asparagine.
Molecular consequence: missense variant.
Genome position (GRCh38, 1-based): chr13:32,339,957, G>A. VCF-style: chr13-32339957-G-A. GRCh37 (hg19) VCF-style: chr13-32914094-G-A.
Other names: short protein forms D1868N.
Identifiers: ClinVar variation 441322 (VCV000441322.22), dbSNP rs80358781, ClinGen allele CA387786063.
Genomic context (GRCh38, chr13:32,339,957, plus strand): 5'-AGTGGTAAAATCGTTTGTGTTTCACATGAAACAATTAAAAAAGTGAAAGACATATTTACA[G>A]ACAGTTTCAGTAAAGTAATTAAGGAAAACAACGAGAATAAATCAAAAATTTGCCAAACGA-3'
Protein context (NP_000050.3, residues 1858-1878): TIKKVKDIFT[Asp1868Asn]SFSKVIKENN

ClinVar aggregate classification (germline): Conflicting classifications of pathogenicity. Review status: criteria provided, conflicting classifications (1 of 4 stars). 8 submissions from 7 submitters: Uncertain significance (7); Likely benign (1). Last evaluated 2025-07-23.

Conditions:
Fanconi anemia complementation group D1. Also called: BRCA2-Related Fanconi Anemia. Identifiers: Orphanet 319462, MedGen C1838457, MONDO:0011584, OMIM 605724.
Breast-ovarian cancer, familial, susceptibility to, 2 (BROVCA2). Also called: BRCA2 Hereditary Breast and Ovarian Cancer. Identifiers: Orphanet 145, MedGen C2675520, MONDO:0012933, OMIM 612555. Disease mechanism: loss of function.
Hereditary cancer-predisposing syndrome. Also called: Hereditary Cancer Syndrome; Hereditary neoplastic syndrome; Tumor predisposition; Neoplastic Syndromes, Hereditary. Identifiers: Orphanet 140162, MedGen C0027672, MeSH D009386, MONDO:0015356.
Hereditary breast ovarian cancer syndrome. Also called: Hereditary breast and ovarian cancer syndrome; BRCA1- and BRCA2-Associated Hereditary Breast and Ovarian Cancer; Hereditary breast and ovarian cancer syndrome (HBOC); Hereditary breast and/or ovarian cancer syndrome; Hereditary breast and ovarian cancer; Breast and ovarian cancer. Identifiers: Orphanet 145, MedGen C0677776, MeSH D061325, MONDO:0003582. Disease mechanism: loss of function.

Submissions (8):

GeneDx
Classification: Uncertain significance. Last evaluated: 2025-07-23. Review status: criteria provided, single submitter. Criteria: GeneDx Variant Classification Process June 2021. Collection method: clinical testing. Allele origin: germline. Affected: yes.
Comment: Not observed at significant frequency in large population cohorts (gnomAD); In silico analysis supports that this missense variant has a deleterious effect on protein structure/function; Has not been previously published as pathogenic or benign to our knowledge; Also known as 5830G>A; This variant is associated with the following publications: (PMID: 31911673, 22193408, 9002670)

Labcorp Genetics (formerly Invitae), Labcorp
Classification: Uncertain significance for Hereditary breast ovarian cancer syndrome. Last evaluated: 2024-11-11. Review status: criteria provided, single submitter. Criteria: Invitae Variant Classification Sherloc (09022015). Collection method: clinical testing. Allele origin: germline.
Comment: This sequence change replaces aspartic acid, which is acidic and polar, with asparagine, which is neutral and polar, at codon 1868 of the BRCA2 protein (p.Asp1868Asn). This variant is not present in population databases (gnomAD no frequency). This variant has not been reported in the literature in individuals affected with BRCA2-related conditions. ClinVar contains an entry for this variant (Variation ID: 441322). Invitae Evidence Modeling of protein sequence and biophysical properties (such as structural, functional, and spatial information, amino acid conservation, physicochemical variation, residue mobility, and thermodynamic stability) indicates that this missense variant is not expected to disrupt BRCA2 protein function with a negative predictive value of 95%. In summary, the available evidence is currently insufficient to determine the role of this variant in disease. Therefore, it has been classified as a Variant of Uncertain Significance.

Ambry Genetics
Classification: Uncertain significance for Hereditary cancer-predisposing syndrome. Last evaluated: 2024-03-09. Review status: criteria provided, single submitter. Criteria: Ambry Variant Classification Scheme 2023. Collection method: clinical testing. Allele origin: germline.
Comment: The p.D1868N variant (also known as c.5602G>A), located in coding exon 10 of the BRCA2 gene, results from a G to A substitution at nucleotide position 5602. The aspartic acid at codon 1868 is replaced by asparagine, an amino acid with highly similar properties. This amino acid position is not well conserved in available vertebrate species. In addition, this alteration is predicted to be tolerated by in silico analysis. Since supporting evidence is limited at this time, the clinical significance of this alteration remains unclear.

Color Diagnostics, LLC DBA Color Health
Classification: Uncertain significance for Hereditary cancer-predisposing syndrome. Last evaluated: 2024-03-06. Review status: criteria provided, single submitter. Criteria: ACMG Guidelines, 2015. Collection method: clinical testing. Allele origin: germline.
Comment: This missense variant replaces aspartic acid with asparagine at codon 1868 of the BRCA2 protein. Computational prediction suggests that this variant may not impact protein structure and function (internally defined REVEL score threshold <= 0.5, PMID: 27666373). To our knowledge, functional studies have not been reported for this variant. This variant has not been reported in individuals affected with hereditary cancer in the literature. This variant has not been identified in the general population by the Genome Aggregation Database (gnomAD). The available evidence is insufficient to determine the role of this variant in disease conclusively. Therefore, this variant is classified as a Variant of Uncertain Significance.

University of Washington Department of Laboratory Medicine, University of Washington
Classification: Likely benign for Hereditary cancer-predisposing syndrome. Last evaluated: 2023-03-23. Review status: criteria provided, single submitter. Criteria: Dines et al. (Genet Med. 2020). Collection method: curation. Allele origin: germline.
Comment: Missense variant in a coldspot region where missense variants are very unlikely to be pathogenic (PMID:31911673).

BRCA2 exon 11 coldspot. Reclassification based on statistical prior probability.

Sema4
Classification: Uncertain significance for Hereditary cancer-predisposing syndrome. Last evaluated: 2022-03-02. Review status: criteria provided, single submitter. Criteria: Sema4 Curation Guidelines. Collection method: curation. Allele origin: germline.
Comment: The BRCA2 c.5602G>A (p.D1868N) variant has not been reported in the literature to our knowledge. This variant is not reported in the population database Genome Aggregation Database (PMID: 32461654). The variant has been reported in ClinVar (Variation ID: 441322). Functional studies have not been performed, and in silico predictions of the variant's effect on protein function are inconclusive. The evidence is insufficient to meet ACMG/AMP criteria for classifying the variant as benign or pathogenic. Thus, the clinical significance of this variant is currently uncertain.

Illumina Laboratory Services, Illumina
Classification: Uncertain significance for Fanconi anemia complementation group D1. Last evaluated: 2018-01-12. Review status: criteria provided, single submitter. Criteria: ICSL Variant Classification Criteria 13 December 2019. Collection method: clinical testing. Allele origin: germline.

Illumina Laboratory Services, Illumina
Classification: Uncertain significance for Breast-ovarian cancer, familial, susceptibility to, 2. Last evaluated: 2018-01-12. Review status: criteria provided, single submitter. Criteria: ICSL Variant Classification Criteria 13 December 2019. Collection method: clinical testing. Allele origin: germline.